The following is an entry in ClinVar:

NM_000051.4(ATM):c.282G>A (p.Met94Ile)

Gene: ATM (ATM serine/threonine kinase; plus strand). Cytogenetic location: 11q22.3.
Variant type: single nucleotide variant.
Coding change: c.282G>A on transcript NM_000051.4 (MANE Select); coding-DNA position 282, G replaced by A.
Protein change: p.Met94Ile; replaces methionine 94 with isoleucine.
Molecular consequence: missense variant.
Genome position (GRCh38, 1-based): chr11:108,229,274, G>A. VCF-style: chr11-108229274-G-A. GRCh37 (hg19) VCF-style: chr11-108100001-G-A.
Other names: c.282G>A, p.Met94Ile (NM_001351834.2, NM_001351835.2, NM_001351836.2); short protein forms M94I.
Identifiers: ClinVar variation 941342 (VCV000941342.10), dbSNP rs2078889859, ClinGen allele CA382521689.
Genomic context (GRCh38, chr11:108,229,274, plus strand): 5'-TCTGAGAATAGCAAAACCAAATGTATCAGCCTCAACACAAGCCTCCAGGCAGAAAAAGAT[G>A]CAGGAAATCAGTAGTTTGGTCAAATACTTCATCAAATGTGCAAACAGAAGTAAGTGATGT-3'
Protein context (NP_000042.3, residues 84-104): ASTQASRQKK[Met94Ile]QEISSLVKYF

ClinVar aggregate classification (germline): Uncertain significance. Review status: criteria provided, multiple submitters, no conflicts (2 of 4 stars). 2 submissions from 2 submitters: Uncertain significance (2). Last evaluated 2024-03-07.

Conditions:
Ataxia-telangiectasia syndrome (AT). Also called: Cerebello-oculocutaneous telangiectasia; Immunodeficiency with ataxia telangiectasia; LOUIS-BAR SYNDROME; AT, COMPLEMENTATION GROUP C; ATAXIA-TELANGIECTASIA, COMPLEMENTATION GROUP A; ATAXIA-TELANGIECTASIA, FRESNO VARIANT. Identifiers: Orphanet 100, MedGen C0004135, MONDO:0008840, OMIM 208900.
Hereditary cancer-predisposing syndrome. Also called: Tumor predisposition; Hereditary neoplastic syndrome; Neoplastic Syndromes, Hereditary; Hereditary Cancer Syndrome. Identifiers: Orphanet 140162, MedGen C0027672, MeSH D009386, MONDO:0015356.

Submissions (2):

Color Diagnostics, LLC DBA Color Health
Classification: Uncertain significance for Hereditary cancer-predisposing syndrome. Last evaluated: 2024-03-07. Review status: criteria provided, single submitter. Criteria: ACMG Guidelines, 2015. Collection method: clinical testing. Allele origin: germline.
Comment: This missense variant replaces methionine with isoleucine at codon 94 of the ATM protein. Computational prediction suggests that this variant may not impact protein structure and function (internally defined REVEL score threshold <= 0.5, PMID: 27666373). To our knowledge, functional studies have not been reported for this variant. This variant has not been reported in individuals affected with hereditary cancer in the literature. This variant has not been identified in the general population by the Genome Aggregation Database (gnomAD). The available evidence is insufficient to determine the role of this variant in disease conclusively. Therefore, this variant is classified as a Variant of Uncertain Significance.

Labcorp Genetics (formerly Invitae), Labcorp
Classification: Uncertain significance for Ataxia-telangiectasia syndrome. Last evaluated: 2021-11-22. Review status: criteria provided, single submitter. Criteria: Invitae Variant Classification Sherloc (09022015). Collection method: clinical testing. Allele origin: germline.
Comment: This sequence change replaces methionine, which is neutral and non-polar, with isoleucine, which is neutral and non-polar, at codon 94 of the ATM protein (p.Met94Ile). This variant is not present in population databases (gnomAD no frequency). This variant has not been reported in the literature in individuals affected with ATM-related conditions. ClinVar contains an entry for this variant (Variation ID: 941342). Advanced modeling of protein sequence and biophysical properties (such as structural, functional, and spatial information, amino acid conservation, physicochemical variation, residue mobility, and thermodynamic stability) performed at Invitae indicates that this missense variant is not expected to disrupt ATM protein function. In summary, the available evidence is currently insufficient to determine the role of this variant in disease. Therefore, it has been classified as a Variant of Uncertain Significance.